The following is an entry in ClinVar:

NM_001161352.2(KCNMA1):c.1056C>T (p.Thr352=)

Gene: KCNMA1 (potassium calcium-activated channel subfamily M alpha 1; minus strand). Cytogenetic location: 10q22.3.
Variant type: single nucleotide variant.
Coding change: c.1056C>T on transcript NM_001161352.2 (MANE Select); coding-DNA position 1056, C replaced by T.
Protein change: p.Thr352=; no amino-acid change (threonine 352 retained).
Molecular consequence: synonymous variant.
Genome position (GRCh38, 1-based): chr10:77,110,248, G>A on the plus strand (C>T on the coding strand, the complement: KCNMA1 is on the minus strand). VCF-style: chr10-77110248-G-A. GRCh37 (hg19) VCF-style: chr10-78870006-G-A.
Other names: c.1056C>T, p.Thr352= (NM_001014797.3, NM_001161353.2, NM_001271519.2 and 7 more transcripts); c.894C>T, p.Thr298= (NM_001271518.2); c.516C>T, p.Thr172= (NM_001322838.2).
Identifiers: ClinVar variation 464291 (VCV000464291.33), dbSNP rs75207686, ClinGen allele CA5568545.

ClinVar aggregate classification (germline): Conflicting classifications of pathogenicity. Review status: criteria provided, conflicting classifications (1 of 4 stars). 6 submissions from 6 submitters: Uncertain significance (1); Benign (2); Likely benign (3). Last evaluated 2026-09-01.

Conditions:
Generalized epilepsy-paroxysmal dyskinesia syndrome (PNKD3). Also called: Generalized epilepsy and paroxysmal dyskinesia; Paroxysmal nonkinesigenic dyskinesia, 3, with or without generalized epilepsy. Identifiers: Orphanet 79137, MedGen C5574945, MONDO:0012276, OMIM 609446.

Allele frequency attached by ClinVar (database versions not stated): ESP Exome Variant Server 0.00015; 1000 Genomes Project 0.00020; 1000 Genomes Project 30x 0.00031; gnomAD 0.00137 and 0.00142; TOPMed 0.00174.
gnomAD v4.1: 856 of 1,613,862 alleles (0.053%); highest among the groups gnomAD compares: Admixed American, 1.2%; 5 homozygotes.

Submissions (6):

CeGaT Center for Human Genetics Tuebingen
Classification: Likely benign. Last evaluated: 2026-09-01. Review status: criteria provided, single submitter. Criteria: CeGaT Center For Human Genetics Tuebingen Variant Classification Criteria Version 2. Collection method: clinical testing. Allele origin: germline. Affected: yes. Observed: 8 variant alleles.
Comment: KCNMA1: BP4, BP7, BS1

Labcorp Genetics (formerly Invitae), Labcorp
Classification: Benign for Generalized epilepsy-paroxysmal dyskinesia syndrome. Last evaluated: 2026-02-03. Review status: criteria provided, single submitter. Criteria: Invitae Variant Classification Sherloc (09022015). Collection method: clinical testing. Allele origin: germline.

Athena Diagnostics
Classification: Benign. Last evaluated: 2025-01-07. Review status: criteria provided, single submitter. Criteria: Athena Diagnostics Criteria. Collection method: clinical testing. Allele origin: unknown.
Comment: The frequency of this variant in the general population is higher than would generally be expected for pathogenic variants in this gene.

Blueprint Genetics
Classification: Likely benign. Last evaluated: 2023-12-18. Review status: criteria provided, single submitter. Criteria: ACMG Guidelines, 2015. Collection method: clinical testing. Allele origin: germline.

GeneDx
Classification: Likely benign. Last evaluated: 2021-02-24. Review status: criteria provided, single submitter. Criteria: GeneDx Variant Classification Process June 2021. Collection method: clinical testing. Allele origin: germline. Affected: yes.

Illumina Laboratory Services, Illumina
Classification: Uncertain significance for Generalized epilepsy-paroxysmal dyskinesia syndrome. Last evaluated: 2017-04-28. Review status: criteria provided, single submitter. Criteria: ICSL Variant Classification Criteria 13 December 2019. Collection method: clinical testing. Allele origin: germline.
Comment: This variant was observed as part of a predisposition screen in an ostensibly healthy population. A literature search was performed for the gene, cDNA change, and amino acid change (where applicable). Publications were found based on this search. However, the evidence from the literature, in combination with allele frequency data from public databases where available, was not sufficient to rule this variant in or out of causing disease. Therefore, this variant is classified as a variant of unknown significance.

Literature cited by the submitters: PubMed 20430843 (cited by Athena Diagnostics and Illumina Laboratory Services, Illumina).